The following is an entry in ClinVar:

NM_000517.6(HBA2):c.96-1G>A

Genes: HBA2 (hemoglobin subunit alpha 2; plus strand), LOC106804612 (hemoglobin subunit alpha 2 recombination region; plus strand). Cytogenetic location: 16p13.3.
Variant type: single nucleotide variant.
Coding change: c.96-1G>A on transcript NM_000517.6 (MANE Select); the canonical splice acceptor site of the intron before coding-DNA position 96, G replaced by A.
Molecular consequence: splice acceptor variant.
Genome position (GRCh38, 1-based): chr16:173,124, G>A. VCF-style: chr16-173124-G-A. GRCh37 (hg19) VCF-style: chr16-223123-G-A.
Identifiers: ClinVar variation 4818683 (VCV004818683.1).

ClinVar aggregate classification (germline): Likely pathogenic (1 of 4 stars; one submission).

Conditions:
alpha Thalassemia. Also called: Alpha thalassemia spectrum. Identifiers: Orphanet 846, MedGen C0002312, MONDO:0011399, OMIM 604131.

Submission:

Natera, Inc.
Classification: Likely pathogenic for Alpha thalassemia. Last evaluated: 2025-08-18. Review status: criteria provided, single submitter. Criteria: Natera Variant Classification Schema (03/2026). Collection method: clinical testing. Allele origin: germline.
Comment: The c.96-1G>A variant in HBA2 is a canonical splice acceptor site variant predicted to affect pre-mRNA splicing, which may result in an abnormal transcript and altered protein product. This variant is expected to result in nonsense mediated decay, truncation, or a dysfunctional protein product. This variant is rare in the general population with a frequency below the threshold expected for the associated phenotype(s). Another variant at this same site results in an alteration predicted to cause a similar molecular effect has been observed in individual(s) with the associated phenotype. Given the available evidence, this variant is classified as Likely Pathogenic.